The following is an entry in ClinVar:

ClinVar aggregate classification (germline): Pathogenic (1 of 4 stars; one submission).

Submission:

CeGaT Center for Human Genetics Tuebingen
Classification: Pathogenic. Last evaluated: 2024-02-01. Review status: criteria provided, single submitter. Criteria: CeGaT Center For Human Genetics Tuebingen Variant Classification Criteria Version 2. Collection method: clinical testing. Allele origin: germline. Affected: yes. Observed: 1 variant allele.
Comment: CSNK2B: PVS1, PM2, PS2:Moderate

NM_001320.7(CSNK2B):c.59_62dup (p.Phe21fs)

Gene: CSNK2B (casein kinase 2 beta; plus strand). Cytogenetic location: 6p21.33.
Variant type: Duplication.
Coding change: c.59_62dup on transcript NM_001320.7 (MANE Select); coding-DNA positions 59 to 62, 4 bases duplicated (AATT; older notation c.59_62dupAATT).
Protein change: p.Phe21fs; shifts the reading frame from phenylalanine 21.
Molecular consequence: frameshift variant.
Genome position (GRCh38, 1-based): chr6:31,666,890-31,666,893, AATT duplicated. VCF-style (leftmost placement, unchanged base first): chr6-31666889-G-GAATT. GRCh37 (hg19) VCF-style: chr6-31634666-G-GAATT.
Other names: c.59_62dup, p.Phe21fs (NM_001282385.2); short protein forms F21fs.
Identifiers: ClinVar variation 3027351 (VCV003027351.22), dbSNP rs2536947862, ClinGen allele CA2740094281.